The following is an entry in ClinVar:

ClinVar aggregate classification (germline): Uncertain significance. Review status: criteria provided, multiple submitters, no conflicts (2 of 4 stars). 5 submissions from 5 submitters: Uncertain significance (4). 1 of the submissions does not count toward it. Last evaluated 2025-12-21.

Conditions:
Hereditary cancer-predisposing syndrome. Also called: Neoplastic Syndromes, Hereditary; Hereditary neoplastic syndrome; Hereditary Cancer Syndrome; Tumor predisposition. Identifiers: Orphanet 140162, MedGen C0027672, MeSH D009386, MONDO:0015356.
POLD1-related polyposis and colorectal cancer syndrome (CRCS10). Also called: Colorectal cancer, susceptibility to, 10; Colorectal cancer 10; COLORECTAL CANCER, SUSCEPTIBILITY TO, ON CHROMOSOME 19q. Identifiers: Orphanet 220460, MedGen C2675481, MONDO:0012953, OMIM 612591.
Familial colorectal cancer. Identifiers: MedGen CN280943, MONDO:0023113. Disease mechanism: loss of function.
POLD1-related disorder. Also called: POLD1-related disorders; POLD1-related condition.

Allele frequency attached by ClinVar (database versions not stated): gnomAD exomes 0.00002; ExAC 0.00004; TOPMed 0.00010.

Submissions (5):

Labcorp Genetics (formerly Invitae), Labcorp
Classification: Uncertain significance for POLD1-related polyposis and colorectal cancer syndrome. Last evaluated: 2025-12-21. Review status: criteria provided, single submitter. Criteria: Invitae Variant Classification Sherloc (09022015). Collection method: clinical testing. Allele origin: germline.
Comment: This sequence change replaces arginine, which is basic and polar, with cysteine, which is neutral and slightly polar, at codon 1053 of the POLD1 protein (p.Arg1053Cys). The frequency data for this variant in the population databases is considered unreliable, as metrics indicate poor data quality at this position in the gnomAD database. This missense change has been observed in individual(s) with breast cancer (PMID: 35264596). ClinVar contains an entry for this variant (Variation ID: 408119). Invitae Evidence Modeling of protein sequence and biophysical properties (such as structural, functional, and spatial information, amino acid conservation, physicochemical variation, residue mobility, and thermodynamic stability) indicates that this missense variant is not expected to disrupt POLD1 protein function with a negative predictive value of 80%. In summary, the available evidence is currently insufficient to determine the role of this variant in disease. Therefore, it has been classified as a Variant of Uncertain Significance.

Ambry Genetics
Classification: Uncertain significance for Hereditary cancer-predisposing syndrome. Last evaluated: 2024-11-08. Review status: criteria provided, single submitter. Criteria: Ambry Variant Classification Scheme 2023. Collection method: clinical testing. Allele origin: germline.
Comment: The p.R1053C variant (also known as c.3157C>T), located in coding exon 25 of the POLD1 gene, results from a C to T substitution at nucleotide position 3157. The arginine at codon 1053 is replaced by cysteine, an amino acid with highly dissimilar properties. This amino acid position is highly conserved in available vertebrate species. In addition, the in silico prediction for this alteration is inconclusive. Based on the available evidence, the clinical significance of this variant remains unclear.

GeneDx
Classification: Uncertain significance. Last evaluated: 2024-02-13. Review status: criteria provided, single submitter. Criteria: GeneDx Variant Classification Process June 2021. Collection method: clinical testing. Allele origin: germline. Affected: yes.
Comment: Not observed at significant frequency in large population cohorts (gnomAD); In silico analysis supports that this missense variant has a deleterious effect on protein structure/function; Observed in an individual with breast cancer (PMID: 35264596); This variant is associated with the following publications: (PMID: 25790293, 26832770, 33924881, 35264596)

Mendelics
Classification: Uncertain significance for Familial colorectal cancer. Last evaluated: 2018-07-02. Review status: criteria provided, single submitter. Criteria: Mendelics Assertion Criteria 2017. Collection method: clinical testing. Allele origin: unknown.

PreventionGenetics, part of Exact Sciences
Classification: Uncertain significance for POLD1-related condition. Last evaluated: 2023-11-13. Review status: no assertion criteria provided. Collection method: clinical testing. Allele origin: germline. Not counted in ClinVar's aggregate classification.
Comment: The POLD1 c.3157C>T variant is predicted to result in the amino acid substitution p.Arg1053Cys. This variant has been reported in an individual with breast cancer (Table S3, Guindalini et al. 2022. PubMed ID: 35264596). This variant is reported in 0.0056% of alleles in individuals of East Asian descent in gnomAD. It is interpreted as a variant of uncertain significance in ClinVar. At this time, the clinical significance of this variant is uncertain due to the absence of conclusive functional and genetic evidence.

Literature cited by the submitters: PubMed 35264596 (cited by Labcorp Genetics (formerly Invitae), Labcorp).

NM_002691.4(POLD1):c.3157C>T (p.Arg1053Cys)

Gene: POLD1 (DNA polymerase delta 1, catalytic subunit; plus strand). Cytogenetic location: 19q13.33.
Variant type: single nucleotide variant.
Coding change: c.3157C>T on transcript NM_002691.4 (MANE Select); coding-DNA position 3157, C replaced by T.
Protein change: p.Arg1053Cys; replaces arginine 1053 with cysteine.
Molecular consequence: missense variant. On other transcripts: non-coding transcript variant (1).
Genome position (GRCh38, 1-based): chr19:50,417,208, C>T. VCF-style: chr19-50417208-C-T. GRCh37 (hg19) VCF-style: chr19-50920465-C-T.
Other names: c.3157C>T, p.Arg1053Cys (NM_001256849.1); c.3235C>T, p.Arg1079Cys (NM_001308632.1); c.3157C>T (NM_002691.2); short protein forms R1053C, R1079C.
Identifiers: ClinVar variation 408119 (VCV000408119.16), dbSNP rs779208942, ClinGen allele CA9596776.
Genomic context (GRCh38, chr19:50,417,208, plus strand): 5'-CTGCTCAGCCGCTGCCGTCCCCAGGTATCCCATCTGAATGCCCTGGAGGAGCGCTTCTCG[C>T]GCCTCTGGACGCAGTGCCAGCGCTGCCAGGGCAGCCTGCACGAGGACGTCATCTGCACCA-3'
Protein context (NP_002682.2, residues 1043-1063): HLNALEERFS[Arg1053Cys]LWTQCQRCQG